The following is an entry in ClinVar:

NM_004984.4(KIF5A):c.2906T>C (p.Met969Thr)

Gene: KIF5A (kinesin family member 5A; plus strand). Cytogenetic location: 12q13.3.
Variant type: single nucleotide variant.
Coding change: c.2906T>C on transcript NM_004984.4 (MANE Select); coding-DNA position 2906, T replaced by C.
Protein change: p.Met969Thr; replaces methionine 969 with threonine.
Molecular consequence: missense variant.
Genome position (GRCh38, 1-based): chr12:57,581,565, T>C. VCF-style: chr12-57581565-T-C. GRCh37 (hg19) VCF-style: chr12-57975348-T-C.
Other names: c.2639T>C, p.Met880Thr (NM_001354705.2); short protein forms M880T, M969T.
Identifiers: ClinVar variation 4770405 (VCV004770405.1).

ClinVar aggregate classification (germline): Uncertain significance (1 of 4 stars; one submission).

Conditions:
Spastic paraplegia. Identifiers: MedGen C0037772, HP:0001258.

gnomAD v4.1: 2 of 1,613,984 alleles (0.00012%); highest among the groups gnomAD compares: Non-Finnish European, 0.000085%; no homozygotes.

Submission:

Labcorp Genetics (formerly Invitae), Labcorp
Classification: Uncertain significance for Spastic paraplegia. Last evaluated: 2025-03-16. Review status: criteria provided, single submitter. Criteria: Invitae Variant Classification Sherloc (09022015). Collection method: clinical testing. Allele origin: germline.
Comment: This sequence change replaces methionine, which is neutral and non-polar, with threonine, which is neutral and polar, at codon 969 of the KIF5A protein (p.Met969Thr). This variant is not present in population databases (gnomAD no frequency). This variant has not been reported in the literature in individuals affected with KIF5A-related conditions. Invitae Evidence Modeling of protein sequence and biophysical properties (such as structural, functional, and spatial information, amino acid conservation, physicochemical variation, residue mobility, and thermodynamic stability) indicates that this missense variant is not expected to disrupt KIF5A protein function with a negative predictive value of 95%. In summary, the available evidence is currently insufficient to determine the role of this variant in disease. Therefore, it has been classified as a Variant of Uncertain Significance.